The following is an entry in ClinVar:

ClinVar aggregate classification (germline): Uncertain significance (1 of 4 stars; one submission).

Conditions:
Developmental and epileptic encephalopathy, 27 (DEE27). Also called: GRIN2B-Related Neurodevelopmental Disorder; Epileptic encephalopathy, early infantile, 27. Identifiers: Orphanet 3451, MedGen C4015316, MONDO:0014505, OMIM 616139.
Intellectual developmental disorder, autosomal dominant 6, with or without seizures. Also called: Intellectual disability, autosomal dominant 6; GRIN2B-related developmental delay, intellectual disability and autism spectrum disorder. Identifiers: Orphanet 589547, MedGen C3151411, MONDO:0013509, OMIM 613970.

Allele frequency attached by ClinVar (database versions not stated): gnomAD exomes below 0.00001.

Submission:

Labcorp Genetics (formerly Invitae), Labcorp
Classification: Uncertain significance for Developmental and epileptic encephalopathy, 27; Intellectual developmental disorder, autosomal dominant 6, with or without seizures. Last evaluated: 2025-04-22. Review status: criteria provided, single submitter. Criteria: Invitae Variant Classification Sherloc (09022015). Collection method: clinical testing. Allele origin: germline.
Comment: This sequence change replaces threonine, which is neutral and polar, with proline, which is neutral and non-polar, at codon 268 of the GRIN2B protein (p.Thr268Pro). This variant is present in population databases (no rsID available, gnomAD 0.0009%). This variant has not been reported in the literature in individuals affected with GRIN2B-related conditions. ClinVar contains an entry for this variant (Variation ID: 1041088). Invitae Evidence Modeling of protein sequence and biophysical properties (such as structural, functional, and spatial information, amino acid conservation, physicochemical variation, residue mobility, and thermodynamic stability) indicates that this missense variant is not expected to disrupt GRIN2B protein function with a negative predictive value of 95%. In summary, the available evidence is currently insufficient to determine the role of this variant in disease. Therefore, it has been classified as a Variant of Uncertain Significance.

NM_000834.5(GRIN2B):c.802A>C (p.Thr268Pro)

Gene: GRIN2B (glutamate ionotropic receptor NMDA type subunit 2B; minus strand). Cytogenetic location: 12p13.1.
Variant type: single nucleotide variant.
Coding change: c.802A>C on transcript NM_000834.5 (MANE Select); coding-DNA position 802, A replaced by C.
Protein change: p.Thr268Pro; replaces threonine 268 with proline.
Molecular consequence: missense variant.
Genome position (GRCh38, 1-based): chr12:13,753,525, T>G on the plus strand (A>C on the coding strand, the complement: GRIN2B is on the minus strand). VCF-style: chr12-13753525-T-G. GRCh37 (hg19) VCF-style: chr12-13906459-T-G.
Other names: short protein forms T268P.
Identifiers: ClinVar variation 1041088 (VCV001041088.9), dbSNP rs921044614, ClinGen allele CA233115839.